The following is an entry in ClinVar:

ClinVar aggregate classification (germline): Pathogenic. Review status: reviewed by expert panel (3 of 4 stars). 12 submissions from 12 submitters: Pathogenic (1). 11 of the submissions do not count toward it. Last evaluated 2016-09-08.

Conditions:
BRCA2-related cancer predisposition. Identifiers: MedGen CN377758, MONDO:0700269.
Inherited breast cancer and ovarian cancer.
Hereditary cancer-predisposing syndrome. Also called: Neoplastic Syndromes, Hereditary; Tumor predisposition; Hereditary Cancer Syndrome; Hereditary neoplastic syndrome. Identifiers: Orphanet 140162, MedGen C0027672, MeSH D009386, MONDO:0015356.
Hereditary breast ovarian cancer syndrome. Also called: Hereditary breast and ovarian cancer; Breast and ovarian cancer; Hereditary breast and/or ovarian cancer syndrome; Hereditary breast and ovarian cancer syndrome (HBOC); Hereditary breast and ovarian cancer syndrome; BRCA1- and BRCA2-Associated Hereditary Breast and Ovarian Cancer. Identifiers: Orphanet 145, MedGen C0677776, MeSH D061325, MONDO:0003582. Disease mechanism: loss of function.
Malignant tumor of urinary bladder. Also called: Bladder cancer; Urinary Bladder Neoplasms; Urinary bladder cancer. Identifiers: MedGen C0005684, MONDO:0001187, OMIM 109800.
Breast-ovarian cancer, familial, susceptibility to, 2 (BROVCA2). Also called: BRCA2 Hereditary Breast and Ovarian Cancer. Identifiers: Orphanet 145, MedGen C2675520, MONDO:0012933, OMIM 612555. Disease mechanism: loss of function.

Allele frequency attached by ClinVar (database versions not stated): gnomAD exomes below 0.00001.
gnomAD v4.1: 1 of 1,613,982 alleles (0.000062%); highest among the groups gnomAD compares: African/African-American, 0.0013%; no homozygotes.

Submissions (12):

Evidence-based Network for the Interpretation of Germline Mutant Alleles (ENIGMA)
Classification: Pathogenic for Breast-ovarian cancer, familial, susceptibility to, 2. Last evaluated: 2016-09-08. Review status: reviewed by expert panel. Criteria: ENIGMA BRCA1/2 Classification Criteria (2015). Collection method: curation. Allele origin: germline.
Comment: Variant allele predicted to encode a truncated non-functional protein.

Genetics Laboratory, Great Ormond Street Hospital NHS Foundation Trust, North Thames Genomic Laboratory Hub
Classification: Pathogenic for Inherited breast cancer and ovarian cancer. Last evaluated: 2026-09-02. Review status: criteria provided, single submitter. Criteria: CanVIG BRCA Gene Specific V1.22. Collection method: clinical testing. Allele origin: germline. Affected: yes. Not counted in ClinVar's aggregate classification.
Comment: PS4_supporting, PM2_supporting, PVS1_very-strong, PM5_strong, PM3_moderate

Labcorp Genetics (formerly Invitae), Labcorp
Classification: Pathogenic for Hereditary breast ovarian cancer syndrome. Last evaluated: 2025-09-23. Review status: criteria provided, single submitter. Criteria: Invitae Variant Classification Sherloc (09022015). Collection method: clinical testing. Allele origin: germline. Not counted in ClinVar's aggregate classification.
Comment: This sequence change creates a premature translational stop signal (p.Trp194*) in the BRCA2 gene. It is expected to result in an absent or disrupted protein product. Loss-of-function variants in BRCA2 are known to be pathogenic (PMID: 20104584). This variant is not present in population databases (gnomAD no frequency). This premature translational stop signal has been observed in individual(s) with clinical features of BRCA2-related conditions (PMID: 26577449, 27767231, 28185119, 28664506, 29446198). ClinVar contains an entry for this variant (Variation ID: 38000). For these reasons, this variant has been classified as Pathogenic.

GeneDx
Classification: Pathogenic. Last evaluated: 2025-06-10. Review status: criteria provided, single submitter. Criteria: GeneDx Variant Classification Process June 2021. Collection method: clinical testing. Allele origin: germline. Affected: yes. Not counted in ClinVar's aggregate classification.
Comment: Nonsense variant predicted to result in protein truncation or nonsense mediated decay in a gene for which loss of function is a known mechanism of disease; Not observed at significant frequency in large population cohorts (gnomAD); Truncating variants in this gene are considered pathogenic by a well-established clinical consortium and/or database; Also known as 810G>A; This variant is associated with the following publications: (PMID: 31492746, 29446198, 23983145, 23531862, 8673091, 20104584, 25652403, 26577449, 28814288, 29478780, 31060517, 33293522, 33471991, 33643918, 38192440, 28185119, 28664506, 27767231, 35464868, 36721989)

Department of Pathology and Laboratory Medicine, Sinai Health System
Classification: Pathogenic for BRCA2-related cancer predisposition. Last evaluated: 2024-12-11. Review status: criteria provided, single submitter. Criteria: ACMG Guidelines, 2015. Collection method: clinical testing. Allele origin: germline. Not counted in ClinVar's aggregate classification.

Genomics and Molecular Medicine Service, East Genomic Laboratory Hub, NHS Genomic Medicine Service
Classification: Pathogenic for Inherited breast cancer and ovarian cancer. Last evaluated: 2024-11-19. Review status: criteria provided, single submitter. Criteria: ACGS Best Practice Guidelines for Variant Classification in Rare Disease 2020. Collection method: clinical testing. Allele origin: germline. Affected: yes. Not counted in ClinVar's aggregate classification.
Comment: PVS1,PM5_Strong

Ambry Genetics
Classification: Pathogenic for Hereditary cancer-predisposing syndrome. Last evaluated: 2024-10-31. Review status: criteria provided, single submitter. Criteria: Ambry Variant Classification Scheme 2023. Collection method: clinical testing. Allele origin: germline. Not counted in ClinVar's aggregate classification.
Comment: The p.W194* pathogenic mutation (also known as c.582G>A), located in coding exon 6 of the BRCA2 gene, results from a G to A substitution at nucleotide position 582. This changes the amino acid from a tryptophan to a stop codon within coding exon 6. This alteration has been reported in multiple individuals diagnosed with breast and/or ovarian cancer (Couch FJ et al. Nat. Genet., 1996 May;13:123-5; Francies FZ et al. BMC Cancer, 2015 Nov;15:912; Yang XR et al. Breast Cancer Res Treat, 2017 Oct;165:687-697; Oosthuizen J et al. Front Oncol, 2020 Feb;10:619469). This variant was also reported in 1/60,466 breast cancer cases and in 0/53,461 controls (Dorling et al. N Engl J Med. 2021 02;384:428-439) and in a large, worldwide study of BRCA1/2 mutation positive families (Rebbeck TR et al. Hum Mutat, 2018 05;39:593-620). Additionally, this alteration has been confirmed to be in trans with another pathogenic BRCA2 mutation in an individual diagnosed with Fanconi anemia (Feben C et al. Fam Cancer, 2017 07;16:441-446). This variant is considered to be rare based on population cohorts in the Genome Aggregation Database (gnomAD). In addition to the clinical data presented in the literature, this alteration is expected to result in loss of function by premature protein truncation or nonsense-mediated mRNA decay. As such, this alteration is interpreted as a disease-causing mutation.

National Health Laboratory Service, Universitas Academic Hospital and University of the Free State
Classification: Pathogenic for Hereditary breast ovarian cancer syndrome. Last evaluated: 2022-04-19. Review status: criteria provided, single submitter. Criteria: ACMG Guidelines, 2015. Collection method: clinical testing. Allele origin: germline. Affected: yes. Observed: 12 variant alleles. Not counted in ClinVar's aggregate classification.

Consortium of Investigators of Modifiers of BRCA1/2 (CIMBA), c/o University of Cambridge
Classification: Pathogenic for Breast-ovarian cancer, familial, susceptibility to, 2. Last evaluated: 2015-10-02. Review status: criteria provided, single submitter. Criteria: CIMBA Mutation Classification guidelines May 2016. Collection method: clinical testing. Allele origin: germline. Not counted in ClinVar's aggregate classification.

Sharing Clinical Reports Project (SCRP)
Classification: Pathogenic for Breast-ovarian cancer, familial 2. Last evaluated: 2011-04-20. Review status: no assertion criteria provided. Collection method: clinical testing. Allele origin: germline. Not counted in ClinVar's aggregate classification.

Breast Cancer Information Core (BIC) (BRCA2)
Classification: Pathogenic for Breast-ovarian cancer, familial 2. Last evaluated: 1997-11-13. Review status: no assertion criteria provided. Collection method: clinical testing. Allele origin: unknown. Affected: yes. Observed: 1 variant allele. Not counted in ClinVar's aggregate classification.

Laboratory of Urology, Hospital Clinic de Barcelona
Classification: Pathogenic for Malignant tumor of urinary bladder. Review status: no assertion criteria provided. Collection method: research. Allele origin: somatic. Affected: yes. Not counted in ClinVar's aggregate classification.

Literature cited by the submitters: PubMed 20104584 (cited by Labcorp Genetics (formerly Invitae), Labcorp); PubMed 26577449 (cited by 3 submitters); PubMed 27767231 (cited by Labcorp Genetics (formerly Invitae), Labcorp and Ambry Genetics); PubMed 28185119 (cited by Labcorp Genetics (formerly Invitae), Labcorp and Ambry Genetics); PubMed 28664506 (cited by 3 submitters); PubMed 29446198 (cited by Labcorp Genetics (formerly Invitae), Labcorp and Ambry Genetics); PubMed 33471991 (cited by Department of Pathology and Laboratory Medicine, Sinai Health System and Ambry Genetics); PubMed 23531862 (cited by Ambry Genetics); PubMed 23983145 (cited by Ambry Genetics); PubMed 25525159 (cited by Ambry Genetics); PubMed 25652403 (cited by Ambry Genetics); PubMed 33643918 (cited by Ambry Genetics); PubMed 8673091 (cited by Ambry Genetics); DOI 10.3389/fgene.2022.834265 (cited by National Health Laboratory Service, Universitas Academic Hospital and University of the Free State).

NM_000059.4(BRCA2):c.582G>A (p.Trp194Ter)

Gene: BRCA2 (BRCA2 DNA repair associated; plus strand). Cytogenetic location: 13q13.1.
Variant type: single nucleotide variant.
Coding change: c.582G>A on transcript NM_000059.4 (MANE Select); coding-DNA position 582, G replaced by A.
Protein change: p.Trp194Ter; replaces tryptophan 194 with a stop codon.
Molecular consequence: nonsense.
Genome position (GRCh38, 1-based): chr13:32,326,564, G>A. VCF-style: chr13-32326564-G-A. GRCh37 (hg19) VCF-style: chr13-32900701-G-A.
Other names: NP_000050.3:p.Trp194Ter; 810G>A; short protein forms W194*.
Identifiers: ClinVar variation 38000 (VCV000038000.44), dbSNP rs80358810, ClinGen allele CA023281.